The following is an entry in ClinVar:

NM_032383.5(HPS3):c.713-2del

Gene: HPS3 (HPS3 biogenesis of lysosomal organelles complex 2 subunit 1; plus strand). Cytogenetic location: 3q24.
Variant type: Deletion.
Coding change: c.713-2del on transcript NM_032383.5 (MANE Select); the canonical splice acceptor site of the intron before coding-DNA position 713, one base deleted (A; older notation c.713-2delA).
Molecular consequence: splice acceptor variant.
Genome position (GRCh38, 1-based): chr3:149,141,015, A deleted; the last of 2 consecutive A bases (chr3:149,141,014-149,141,015); deleting either gives the same sequence. VCF-style (leftmost placement, unchanged base first): chr3-149141013-TA-T. GRCh37 (hg19) VCF-style: chr3-148858800-TA-T.
Other names: c.218-2del (NM_001308258.2).
Identifiers: ClinVar variation 4734491 (VCV004734491.1).

ClinVar aggregate classification (germline): Likely pathogenic (1 of 4 stars; one submission).

Submission:

Labcorp Genetics (formerly Invitae), Labcorp
Classification: Likely pathogenic. Last evaluated: 2025-12-31. Review status: criteria provided, single submitter. Criteria: Invitae Variant Classification Sherloc (09022015). Collection method: clinical testing. Allele origin: germline.
Comment: This sequence change affects a splice site in intron 2 of the HPS3 gene. It is expected to disrupt RNA splicing. Variants that disrupt the donor or acceptor splice site typically lead to a loss of protein function (PMID: 16199547), and loss-of-function variants in HPS3 are known to be pathogenic (PMID: 11590544). This variant is not present in population databases (gnomAD no frequency). This variant has not been reported in the literature in individuals affected with HPS3-related conditions. In summary, the currently available evidence indicates that the variant is pathogenic, but additional data are needed to prove that conclusively. Therefore, this variant has been classified as Likely Pathogenic.

Literature cited by the submitters: PubMed 16199547; PubMed 11590544.